The following is an entry in ClinVar:

NM_003742.4(ABCB11):c.1533C>T (p.Thr511=)

Gene: ABCB11 (ATP binding cassette subfamily B member 11; minus strand). Cytogenetic location: 2q31.1.
Variant type: single nucleotide variant.
Coding change: c.1533C>T on transcript NM_003742.4 (MANE Select); coding-DNA position 1533, C replaced by T.
Protein change: p.Thr511=; no amino-acid change (threonine 511 retained).
Molecular consequence: synonymous variant.
Genome position (GRCh38, 1-based): chr2:168,971,952, G>A on the plus strand (C>T on the coding strand, the complement: ABCB11 is on the minus strand). VCF-style: chr2-168971952-G-A. GRCh37 (hg19) VCF-style: chr2-169828462-G-A.
Identifiers: ClinVar variation 723890 (VCV000723890.13), dbSNP rs765678675, ClinGen allele CA1951549.

ClinVar aggregate classification (germline): Likely benign. Review status: criteria provided, single submitter (1 of 4 stars). 3 submissions from 3 submitters: Likely benign (1). 2 of the submissions do not count toward it. Last evaluated 2023-12-09.

Conditions:
Progressive familial intrahepatic cholestasis type 2. Identifiers: Orphanet 79304, MedGen C3489789, MONDO:0011156, OMIM 601847.
ABCB11-related disorder. Also called: ABCB11-related condition.

Allele frequency attached by ClinVar (database versions not stated): gnomAD 0.00001; TOPMed 0.00002; gnomAD exomes 0.00003 and 0.00008; ExAC 0.00006.
gnomAD v4.1: 21 of 1,612,928 alleles (0.0013%); highest among the groups gnomAD compares: Admixed American, 0.03%; no homozygotes.

Submissions (3):

Labcorp Genetics (formerly Invitae), Labcorp
Classification: Likely benign. Last evaluated: 2023-12-09. Review status: criteria provided, single submitter. Criteria: Invitae Variant Classification Sherloc (09022015). Collection method: clinical testing. Allele origin: germline.

PreventionGenetics, part of Exact Sciences
Classification: Likely benign for ABCB11-related condition. Last evaluated: 2021-08-11. Review status: no assertion criteria provided. Collection method: clinical testing. Allele origin: germline. Not counted in ClinVar's aggregate classification.
Comment: This variant is classified as likely benign based on ACMG/AMP sequence variant interpretation guidelines (Richards et al. 2015 PMID: 25741868, with internal and published modifications).

Natera, Inc.
Classification: Uncertain significance for Progressive familial intrahepatic cholestasis type 2. Last evaluated: 2020-03-11. Review status: no assertion criteria provided. Collection method: clinical testing. Allele origin: germline. Not counted in ClinVar's aggregate classification.